The following is an entry in ClinVar:

NM_001367624.2(ZNF469):c.11288C>G (p.Thr3763Ser)

Gene: ZNF469 (zinc finger protein 469; plus strand). Cytogenetic location: 16q24.2.
Variant type: single nucleotide variant.
Coding change: c.11288C>G on transcript NM_001367624.2 (MANE Select); coding-DNA position 11288, C replaced by G.
Protein change: p.Thr3763Ser; replaces threonine 3763 with serine.
Molecular consequence: missense variant.
Genome position (GRCh38, 1-based): chr16:88,438,758, C>G. VCF-style: chr16-88438758-C-G. GRCh37 (hg19) VCF-style: chr16-88505166-C-G.
Other names: NM_001127464.1:c.11204C>G; NM_001127464.2:c.11204C>G; short protein forms T3763S.
Identifiers: ClinVar variation 1797544 (VCV001797544.7), dbSNP rs773654552, ClinGen allele CA8225597.

ClinVar aggregate classification (germline): Conflicting classifications of pathogenicity. Review status: criteria provided, conflicting classifications (1 of 4 stars). 3 submissions from 3 submitters: Uncertain significance (2); Benign (1). Last evaluated 2026-03-09.

Conditions:
ZNF469-related disorder. Also called: ZNF469-related condition.
Cardiovascular phenotype. Identifiers: MedGen CN230736.

Allele frequency attached by ClinVar (database versions not stated): gnomAD exomes 0.00001; ExAC 0.00013; gnomAD 0.00014; TOPMed 0.00017.
gnomAD v4.1: 40 of 1,550,002 alleles (0.0026%); highest among the groups gnomAD compares: African/African-American, 0.042%; no homozygotes.

Submissions (3):

PreventionGenetics, part of Exact Sciences
Classification: Uncertain significance for ZNF469-related condition. Last evaluated: 2026-03-09. Review status: criteria provided, single submitter. Criteria: ACMG Guidelines, 2015. Collection method: clinical testing. Allele origin: germline.
Comment: The ZNF469 c.11204C>G variant is predicted to result in the amino acid substitution p.Thr3735Ser. To our knowledge, this variant has not been reported in the literature. This variant is reported in 0.044% of alleles in individuals of African descent in gnomAD. At this time, the clinical significance of this variant is uncertain due to the absence of conclusive functional and genetic evidence.

Labcorp Genetics (formerly Invitae), Labcorp
Classification: Uncertain significance. Last evaluated: 2026-01-21. Review status: criteria provided, single submitter. Criteria: Invitae Variant Classification Sherloc (09022015). Collection method: clinical testing. Allele origin: germline.
Comment: This sequence change replaces threonine, which is neutral and polar, with serine, which is neutral and polar, at codon 3735 of the ZNF469 protein (p.Thr3735Ser). This variant is present in population databases (rs773654552, gnomAD 0.04%). This variant has not been reported in the literature in individuals affected with ZNF469-related conditions. ClinVar contains an entry for this variant (Variation ID: 1797544). An algorithm developed to predict the effect of missense changes on protein structure and function outputs the following: PolyPhen-2: "Benign". The serine amino acid residue is found in multiple mammalian species, which suggests that this missense change does not adversely affect protein function. In summary, the available evidence is currently insufficient to determine the role of this variant in disease. Therefore, it has been classified as a Variant of Uncertain Significance.

Ambry Genetics
Classification: Benign for Cardiovascular phenotype. Last evaluated: 2025-05-30. Review status: criteria provided, single submitter. Criteria: Ambry Variant Classification Scheme 2023. Collection method: clinical testing. Allele origin: germline.